The following is an entry in ClinVar:

ClinVar aggregate classification (germline): Uncertain significance (1 of 4 stars; one submission).

Conditions:
Cardiovascular phenotype. Identifiers: MedGen CN230736.

Submission:

Ambry Genetics
Classification: Uncertain significance for Cardiovascular phenotype. Last evaluated: 2024-04-21. Review status: criteria provided, single submitter. Criteria: Ambry Variant Classification Scheme 2023. Collection method: clinical testing. Allele origin: germline.
Comment: The p.C237S variant (also known as c.709T>A), located in coding exon 5 of the LMF1 gene, results from a T to A substitution at nucleotide position 709. The cysteine at codon 237 is replaced by serine, an amino acid with dissimilar properties. This amino acid position is conserved. In addition, the in silico prediction for this alteration is inconclusive. Based on the available evidence, the clinical significance of this variant remains unclear.

NM_022773.4(LMF1):c.709T>A (p.Cys237Ser)

Gene: LMF1 (lipase maturation factor 1; minus strand). Cytogenetic location: 16p13.3.
Variant type: single nucleotide variant.
Coding change: c.709T>A on transcript NM_022773.4 (MANE Select); coding-DNA position 709, T replaced by A.
Protein change: p.Cys237Ser; replaces cysteine 237 with serine.
Molecular consequence: missense variant. On other transcripts: non-coding transcript variant (1).
Genome position (GRCh38, 1-based): chr16:893,027, A>T on the plus strand (T>A on the coding strand, the complement: LMF1 is on the minus strand). VCF-style: chr16-893027-A-T. GRCh37 (hg19) VCF-style: chr16-943027-A-T.
Other names: c.58T>A, p.Cys20Ser (NM_001352017.2, NM_001352021.2); c.310T>A, p.Cys104Ser (NM_001352018.2); c.382T>A, p.Cys128Ser (NM_001352019.2); c.709T>A, p.Cys237Ser (NM_001352020.1); short protein forms C237S, C104S, C20S, C128S.
Identifiers: ClinVar variation 3290923 (VCV003290923.1).
Genomic context (GRCh38, chr16:893,027, plus strand): 5'-AGACCGGGTGCCCTGCCCTCACGCTGCACGGCACGCTCACCTCATAGTGGAAGTCCATGC[A>T]GGTGAGGTCTCGCCAGCACCGGTCCCCCCGGATCTTGATCAGGCCCTGCAAGGAAGAGAG-3'
Protein context (NP_073610.2, residues 227-247): RGDRCWRDLT[Cys237Ser]MDFHYETQPM